The following is an entry in ClinVar:

NM_005726.6(TSFM):c.929_930del (p.Phe310fs)

Gene: TSFM (Ts translation elongation factor, mitochondrial; plus strand). Cytogenetic location: 12q14.1.
Variant type: Deletion.
Coding change: c.929_930del on transcript NM_005726.6 (MANE Select); coding-DNA positions 929 to 930, 2 bases deleted (TT; older notation c.929_930delTT).
Protein change: p.Phe310fs; shifts the reading frame from phenylalanine 310.
Molecular consequence: frameshift variant. On other transcripts: 3 prime UTR variant (1), intron variant (1).
Genome position (GRCh38, 1-based): chr12:57,796,534-57,796,535, TT deleted; deleting any 2 consecutive bases within chr12:57,796,533-57,796,535 gives the same sequence; the c. name uses the placement nearest the transcript's 3' end. VCF-style (leftmost placement, unchanged base first): chr12-57796532-CTT-C. GRCh37 (hg19) VCF-style: chr12-58190315-CTT-C.
Other names: c.*337_*338del (NM_001172695.2); c.992_993del, p.Phe331fs (NM_001172696.2); c.571+3461_571+3462del (NM_001172697.2); short protein forms F331fs, F310fs.
Identifiers: ClinVar variation 2097083 (VCV002097083.4), dbSNP rs2540966023, ClinGen allele CA2580086609.

ClinVar aggregate classification (germline): Pathogenic (1 of 4 stars; one submission).

Submission:

Labcorp Genetics (formerly Invitae), Labcorp
Classification: Pathogenic. Last evaluated: 2023-07-25. Review status: criteria provided, single submitter. Criteria: Invitae Variant Classification Sherloc (09022015). Collection method: clinical testing. Allele origin: germline.
Comment: This sequence change creates a premature translational stop signal (p.Phe331Cysfs*4) in the TSFM gene. While this is not anticipated to result in nonsense mediated decay, it is expected to disrupt the last 16 amino acid(s) of the TSFM protein. This variant is not present in population databases (gnomAD no frequency). This variant has not been reported in the literature in individuals affected with TSFM-related conditions. ClinVar contains an entry for this variant (Variation ID: 2097083). This variant disrupts a region of the TSFM protein in which other variant(s) (p.Arg333Trp) have been determined to be pathogenic (PMID: 17033963, 20435138, 21741925, 22277967). This suggests that this is a clinically significant region of the protein, and that variants that disrupt it are likely to be disease-causing. For these reasons, this variant has been classified as Pathogenic.

Literature cited by the submitters: PubMed 17033963; PubMed 20435138; PubMed 21741925; PubMed 22277967.